The following is an entry in ClinVar:

ClinVar aggregate classification (germline): Uncertain significance (1 of 4 stars; one submission).

Conditions:
Congenital contractural arachnodactyly (CCA). Also called: BEALS SYNDROME; Beals-Hecht syndrome; Arthrogryposis, distal, type 9. Identifiers: Orphanet 115, MedGen C0220668, MONDO:0007363, OMIM 121050.

Allele frequency attached by ClinVar (database versions not stated): TOPMed below 0.00001; ExAC 0.00001; gnomAD 0.00001; gnomAD exomes 0.00001; 1000 Genomes Project 0.00020; 1000 Genomes Project 30x 0.00031.
gnomAD v4.1: 22 of 1,606,810 alleles (0.0014%); highest among the groups gnomAD compares: Non-Finnish European, 0.0019%; no homozygotes.

Submission:

Labcorp Genetics (formerly Invitae), Labcorp
Classification: Uncertain significance for Congenital contractural arachnodactyly. Last evaluated: 2025-11-27. Review status: criteria provided, single submitter. Criteria: Invitae Variant Classification Sherloc (09022015). Collection method: clinical testing. Allele origin: germline.
Comment: This sequence change replaces glutamine, which is neutral and polar, with arginine, which is basic and polar, at codon 10 of the FBN2 protein (p.Gln10Arg). The frequency data for this variant in the population databases is considered unreliable, as metrics indicate poor data quality at this position in the gnomAD database. This variant has not been reported in the literature in individuals affected with FBN2-related conditions. ClinVar contains an entry for this variant (Variation ID: 859967). Invitae Evidence Modeling of protein sequence and biophysical properties (such as structural, functional, and spatial information, amino acid conservation, physicochemical variation, residue mobility, and thermodynamic stability) indicates that this missense variant is not expected to disrupt FBN2 protein function with a negative predictive value of 95%. In summary, the available evidence is currently insufficient to determine the role of this variant in disease. Therefore, it has been classified as a Variant of Uncertain Significance.

NM_001999.4(FBN2):c.29A>G (p.Gln10Arg)

Gene: FBN2 (fibrillin 2; minus strand). Cytogenetic location: 5q23.3.
Variant type: single nucleotide variant.
Coding change: c.29A>G on transcript NM_001999.4 (MANE Select); coding-DNA position 29, A replaced by G.
Protein change: p.Gln10Arg; replaces glutamine 10 with arginine.
Molecular consequence: missense variant.
Genome position (GRCh38, 1-based): chr5:128,537,575, T>C on the plus strand (A>G on the coding strand, the complement: FBN2 is on the minus strand). VCF-style: chr5-128537575-T-C. GRCh37 (hg19) VCF-style: chr5-127873268-T-C.
Other names: short protein forms Q10R.
Identifiers: ClinVar variation 859967 (VCV000859967.10), dbSNP rs547410742, ClinGen allele CA3396243.